The following is an entry in ClinVar:

ClinVar aggregate classification (germline): Uncertain significance (1 of 4 stars; one submission).

Submission:

Labcorp Genetics (formerly Invitae), Labcorp
Classification: Uncertain significance. Last evaluated: 2024-07-27. Review status: criteria provided, single submitter. Criteria: Invitae Variant Classification Sherloc (09022015). Collection method: clinical testing. Allele origin: germline.
Comment: This sequence change affects codon 154 of the THBD mRNA. It is a 'silent' change, meaning that it does not change the encoded amino acid sequence of the THBD protein. This variant is not present in population databases (gnomAD no frequency). This variant has not been reported in the literature in individuals affected with THBD-related conditions. In summary, the available evidence is currently insufficient to determine the role of this variant in disease. Therefore, it has been classified as a Variant of Uncertain Significance.

NM_000361.3(THBD):c.462G>A (p.Glu154=)

Gene: THBD (thrombomodulin; minus strand). Cytogenetic location: 20p11.21.
Variant type: single nucleotide variant.
Coding change: c.462G>A on transcript NM_000361.3 (MANE Select); coding-DNA position 462, G replaced by A.
Protein change: p.Glu154=; no amino-acid change (glutamic acid 154 retained).
Molecular consequence: synonymous variant.
Genome position (GRCh38, 1-based): chr20:23,049,043, C>T on the plus strand (G>A on the coding strand, the complement: THBD is on the minus strand). VCF-style: chr20-23049043-C-T. GRCh37 (hg19) VCF-style: chr20-23029680-C-T.
Identifiers: ClinVar variation 3660688 (VCV003660688.2).
Genomic context (GRCh38, chr20:23,049,043, plus strand): 5'-GGTGGCTGGGAAGTGGAACTCGCAGAGGAAGCCATCGGCCTTCACTTCGCACTGCTGCTC[C>T]TCCCAGATCGGCTCGCTGGGCACAGTGGCCTCAGCAGCGGAGACAGCGACGCACAACGGG-3'
Protein context (NP_000352.1, residues 144-164): EATVPSEPIW[Glu154=]EQQCEVKADG